The following is an entry in ClinVar:

ClinVar aggregate classification (germline): Pathogenic (0 of 4 stars; one submission).

Conditions:
Myopathy, tubular aggregate, 1 (TAM1). Identifiers: MedGen C4011726, MONDO:0024531, OMIM 160565.

Submission:

OMIM
Classification: Pathogenic for MYOPATHY, TUBULAR AGGREGATE, 1. Last evaluated: 2013-02-07. Review status: no assertion criteria provided. Collection method: literature only. Allele origin: germline.

Literature cited by the submitters: PubMed 23332920.

NM_001382567.1(STIM1):c.216C>G (p.His72Gln)

Gene: STIM1 (stromal interaction molecule 1; plus strand). Cytogenetic location: 11p15.4.
Variant type: single nucleotide variant.
Coding change: c.216C>G on transcript NM_001382567.1 (MANE Select); coding-DNA position 216, C replaced by G.
Protein change: p.His72Gln; replaces histidine 72 with glutamine.
Molecular consequence: missense variant. On other transcripts: 5 prime UTR variant (8), non-coding transcript variant (3), intron variant (4).
Genome position (GRCh38, 1-based): chr11:3,967,628, C>G. VCF-style: chr11-3967628-C-G. GRCh37 (hg19) VCF-style: chr11-3988858-C-G.
Other names: c.216C>G, p.His72Gln (NM_001277961.3, NM_001277962.2, NM_001382568.1 and 3 more transcripts); c.-7C>G (NM_001382566.1, NM_001382573.1, NM_001382574.1 and 5 more transcripts); c.-219-56245C>G (NM_001382580.1, NM_001382581.1); c.136-56245C>G (NM_001382569.1); c.-98-56245C>G (NM_001382571.1); short protein forms H72Q.
Identifiers: ClinVar variation 2683800 (VCV002683800.137), dbSNP rs397515436, ClinGen allele CA379485007.